The following is an entry in ClinVar:

NM_001113378.2(FANCI):c.158-5A>G

Gene: FANCI (FA complementation group I; plus strand). Cytogenetic location: 15q26.1.
Variant type: single nucleotide variant.
Coding change: c.158-5A>G on transcript NM_001113378.2 (MANE Select); 5 bases into the intron before coding-DNA position 158, A replaced by G.
Molecular consequence: intron variant.
Genome position (GRCh38, 1-based): chr15:89,260,708, A>G. VCF-style: chr15-89260708-A-G. GRCh37 (hg19) VCF-style: chr15-89803939-A-G.
Other names: c.158-5A>G (NM_018193.3, NM_001376911.1); c.-122-5A>G (NM_001376910.1).
Identifiers: ClinVar variation 2148528 (VCV002148528.2), dbSNP rs774669902, ClinGen allele CA7722516.

ClinVar aggregate classification (germline): Uncertain significance (1 of 4 stars; one submission).

Conditions:
Fanconi anemia (FA). Also called: Fanconi's anemia. Identifiers: Orphanet 84, MedGen C0015625, MeSH D005199, MONDO:0019391.

Allele frequency attached by ClinVar (database versions not stated): gnomAD 0.00001; gnomAD exomes 0.00001; TOPMed 0.00001; ExAC 0.00002.
gnomAD v4.1: 13 of 1,613,452 alleles (0.00081%); highest among the groups gnomAD compares: African/African-American, 0.0013%; no homozygotes.

Submission:

Labcorp Genetics (formerly Invitae), Labcorp
Classification: Uncertain significance for Fanconi anemia. Last evaluated: 2025-12-03. Review status: criteria provided, single submitter. Criteria: Invitae Variant Classification Sherloc (09022015). Collection method: clinical testing. Allele origin: germline.
Comment: This sequence change falls in intron 3 of the FANCI gene. It does not directly change the encoded amino acid sequence of the FANCI protein. This variant is present in population databases (rs774669902, gnomAD 0.003%). This variant has not been reported in the literature in individuals affected with FANCI-related conditions. ClinVar contains an entry for this variant (Variation ID: 2148528). Algorithms developed to predict the effect of sequence changes on RNA splicing suggest that this variant may disrupt the consensus splice site. In summary, the available evidence is currently insufficient to determine the role of this variant in disease. Therefore, it has been classified as a Variant of Uncertain Significance.